The following is an entry in ClinVar:

ClinVar aggregate classification (germline): Conflicting classifications of pathogenicity. Review status: criteria provided, conflicting classifications (1 of 4 stars). 4 submissions from 4 submitters: Uncertain significance (3); Likely benign (1). Last evaluated 2025-10-14.

Conditions:
Aicardi-Goutieres syndrome 6 (AGS6). Identifiers: Orphanet 51, MedGen C3539013, MONDO:0014007, OMIM 615010.
Symmetrical dyschromatosis of extremities (DSH). Also called: Dyschromatosis symmetrica hereditaria; RETICULATE ACROPIGMENTATION OF DOHI; SYMMETRIC DYSCHROMATOSIS OF THE EXTREMITIES; DYSCHROMATOSIS SYMMETRICA HEREDITARIA 1. Identifiers: Orphanet 41, MedGen C0406775, MONDO:0007483, OMIM 127400.

Allele frequency attached by ClinVar (database versions not stated): TOPMed 0.00004; gnomAD 0.00005; gnomAD exomes 0.00005 and 0.00010; ExAC 0.00007; 1000 Genomes Project 30x 0.00016; 1000 Genomes Project 0.00020.
gnomAD v4.1: 91 of 1,614,204 alleles (0.0056%); highest among the groups gnomAD compares: African/African-American, 0.0067%; no homozygotes.

Submissions (4):

Labcorp Genetics (formerly Invitae), Labcorp
Classification: Uncertain significance for Aicardi-Goutieres syndrome 6; Symmetrical dyschromatosis of extremities. Last evaluated: 2025-10-14. Review status: criteria provided, single submitter. Criteria: Invitae Variant Classification Sherloc (09022015). Collection method: clinical testing. Allele origin: germline.
Comment: This sequence change replaces arginine, which is basic and polar, with histidine, which is basic and polar, at codon 467 of the ADAR protein (p.Arg467His). This variant is present in population databases (rs192121167, gnomAD 0.05%). This variant has not been reported in the literature in individuals affected with ADAR-related conditions. ClinVar contains an entry for this variant (Variation ID: 959599). Invitae Evidence Modeling of protein sequence and biophysical properties (such as structural, functional, and spatial information, amino acid conservation, physicochemical variation, residue mobility, and thermodynamic stability) indicates that this missense variant is not expected to disrupt ADAR protein function with a negative predictive value of 80%. In summary, the available evidence is currently insufficient to determine the role of this variant in disease. Therefore, it has been classified as a Variant of Uncertain Significance.

Blueprint Genetics
Classification: Likely benign. Last evaluated: 2023-07-10. Review status: criteria provided, single submitter. Criteria: ACMG Guidelines, 2015. Collection method: clinical testing. Allele origin: germline.

Genome-Nilou Lab
Classification: Uncertain significance for Aicardi-Goutieres syndrome 6. Last evaluated: 2023-04-11. Review status: criteria provided, single submitter. Criteria: ACMG Guidelines, 2015. Collection method: clinical testing. Allele origin: germline. Affected: no.

GeneDx
Classification: Uncertain significance. Last evaluated: 2022-03-24. Review status: criteria provided, single submitter. Criteria: GeneDx Variant Classification Process June 2021. Collection method: clinical testing. Allele origin: germline. Affected: yes.
Comment: In silico analysis supports that this missense variant does not alter protein structure/function; Has not been previously published as pathogenic or benign to our knowledge

NM_001111.5(ADAR):c.1400G>A (p.Arg467His)

Gene: ADAR (adenosine deaminase RNA specific; minus strand). Cytogenetic location: 1q21.3.
Variant type: single nucleotide variant.
Coding change: c.1400G>A on transcript NM_001111.5 (MANE Select); coding-DNA position 1400, G replaced by A.
Protein change: p.Arg467His; replaces arginine 467 with histidine.
Molecular consequence: missense variant.
Genome position (GRCh38, 1-based): chr1:154,601,242, C>T on the plus strand (G>A on the coding strand, the complement: ADAR is on the minus strand). VCF-style: chr1-154601242-C-T. GRCh37 (hg19) VCF-style: chr1-154573718-C-T.
Other names: c.515G>A, p.Arg172His (NM_001025107.3, NM_001193495.2, NM_001365046.1 and 3 more transcripts); c.1427G>A, p.Arg476His (NM_001365045.1); c.1400G>A, p.Arg467His (NM_015840.4, NM_015841.4); short protein forms R172H, R467H, R476H.
Identifiers: ClinVar variation 959599 (VCV000959599.12), dbSNP rs192121167, ClinGen allele CA1131554.